The following is an entry in ClinVar:

ClinVar aggregate classification (germline): Uncertain significance (1 of 4 stars; one submission).

Submission:

Labcorp Genetics (formerly Invitae), Labcorp
Classification: Uncertain significance. Last evaluated: 2025-08-17. Review status: criteria provided, single submitter. Criteria: Invitae Variant Classification Sherloc (09022015). Collection method: clinical testing. Allele origin: germline.
Comment: This sequence change replaces serine, which is neutral and polar, with leucine, which is neutral and non-polar, at codon 3443 of the TRRAP protein (p.Ser3443Leu). This variant is present in population databases (rs764022559, gnomAD 0.0009%). This variant has not been reported in the literature in individuals affected with TRRAP-related conditions. Invitae Evidence Modeling of protein sequence and biophysical properties (such as structural, functional, and spatial information, amino acid conservation, physicochemical variation, residue mobility, and thermodynamic stability) indicates that this missense variant is expected to disrupt TRRAP protein function with a positive predictive value of 80%. In summary, the available evidence is currently insufficient to determine the role of this variant in disease. Therefore, it has been classified as a Variant of Uncertain Significance.

NM_001375524.1(TRRAP):c.10457C>T (p.Ser3486Leu)

Gene: TRRAP (transformation/transcription domain associated protein; plus strand). Cytogenetic location: 7q22.1.
Variant type: single nucleotide variant.
Coding change: c.10457C>T on transcript NM_001375524.1 (MANE Select); coding-DNA position 10457, C replaced by T.
Protein change: p.Ser3486Leu; replaces serine 3486 with leucine.
Molecular consequence: missense variant.
Genome position (GRCh38, 1-based): chr7:99,004,337, C>T. VCF-style: chr7-99004337-C-T. GRCh37 (hg19) VCF-style: chr7-98601960-C-T.
Other names: c.10415C>T, p.Ser3472Leu (NM_001244580.2); c.10328C>T, p.Ser3443Leu (NM_003496.4); short protein forms S3443L, S3472L, S3486L.
Identifiers: ClinVar variation 4780866 (VCV004780866.1).
Genomic context (GRCh38, chr7:99,004,337, plus strand): 5'-CCAAGCAACTCCCCAAATTCTTCCTCATAGAGGAAAAGTGCCGGTTCTTGAGCAATTTCT[C>T]GGCACAGACAGCTGAAGTGGAAATTCCTGGGGAGTTTCTGATGCCAAAGCCAACGCATTA-3'
Protein context (NP_001362453.1, residues 3476-3496): EEKCRFLSNF[Ser3486Leu]AQTAEVEIPG